The following is an entry in ClinVar:

ClinVar aggregate classification (germline): Pathogenic (1 of 4 stars; one submission).

Submission:

Labcorp Genetics (formerly Invitae), Labcorp
Classification: Pathogenic. Last evaluated: 2021-05-29. Review status: criteria provided, single submitter. Criteria: Invitae Variant Classification Sherloc (09022015). Collection method: clinical testing. Allele origin: germline.
Comment: The frequency data for this variant in the population databases is considered unreliable, as metrics indicate insufficient coverage at this position in the ExAC database. For these reasons, this variant has been classified as Pathogenic. This variant has not been reported in the literature in individuals with KMT2B-related conditions. This sequence change creates a premature translational stop signal (p.Ala5Valfs*37) in the KMT2B gene. It is expected to result in an absent or disrupted protein product. Loss-of-function variants in KMT2B are known to be pathogenic (PMID: 27839873, 27992417).

Literature cited by the submitters: PubMed 27839873; PubMed 27992417.

NM_014727.3(KMT2B):c.12_24del (p.Ala5fs)

Gene: KMT2B (lysine methyltransferase 2B; plus strand). Cytogenetic location: 19q13.12.
Variant type: Deletion.
Coding change: c.12_24del on transcript NM_014727.3 (MANE Select); coding-DNA positions 12 to 24, 13 bases deleted (GGCGGGCGGCGGC).
Protein change: p.Ala5fs; shifts the reading frame from alanine 5.
Molecular consequence: frameshift variant, initiator codon variant.
Genome position (GRCh38, 1-based): chr19:35,718,030-35,718,042, GGCGGGCGGCGGC deleted; deleting any 13 consecutive bases within chr19:35,718,021-35,718,042 gives the same sequence; the c. name uses the placement nearest the transcript's 3' end. VCF-style (leftmost placement, unchanged base first): chr19-35718020-TGGCGGCGGCGGCG-T. GRCh37 (hg19) VCF-style: chr19-36208922-TGGCGGCGGCGGCG-T.
Other names: short protein forms A5fs.
Identifiers: ClinVar variation 1453167 (VCV001453167.6), dbSNP rs1555727493, ClinGen allele CA2573156245.